The following is an entry in ClinVar:

ClinVar aggregate classification (germline): Likely pathogenic (1 of 4 stars; one submission).

Conditions:
Stuve-Wiedemann syndrome (STWS). Also called: Stüve-Wiedemann syndrome. Identifiers: Orphanet 3206, MedGen C0796176, MONDO:0031280.

Submission:

Natera, Inc.
Classification: Likely pathogenic for Stuve-Wiedemann syndrome. Last evaluated: 2024-05-02. Review status: criteria provided, single submitter. Criteria: Natera Variant Classification Schema (03/2026). Collection method: clinical testing. Allele origin: germline.
Comment: The c.541_542del variant in LIFR is a frameshift variant predicted to shift the reading frame beginning at codon 181 and leads to a stop codon 40 codons downstream. This variant is expected to result in nonsense mediated decay, truncation, or a dysfunctional protein product. This variant is rare in the general population with a frequency below the threshold expected for the associated phenotype(s). Given the available evidence, this variant is classified as Likely Pathogenic.

NM_001127671.2(LIFR):c.541_542del (p.Ser181fs)

Gene: LIFR (LIF receptor subunit alpha; minus strand). Cytogenetic location: 5p13.1.
Variant type: Microsatellite.
Coding change: c.541_542del on transcript NM_001127671.2 (MANE Select); coding-DNA positions 541 to 542, 2 bases deleted (AG; older notation c.541_542delAG).
Protein change: p.Ser181fs; shifts the reading frame from serine 181.
Molecular consequence: frameshift variant.
Genome position (GRCh38, 1-based): chr5:38,523,438-38,523,439, CT deleted on the plus strand (AG on the coding strand, the reverse complement: LIFR is on the minus strand); deleting any 2 consecutive bases within chr5:38,523,438-38,523,443 gives the same sequence; the c. name uses the placement nearest the transcript's 3' end. VCF-style (leftmost placement, unchanged base first): chr5-38523437-ACT-A. GRCh37 (hg19) VCF-style: chr5-38523539-ACT-A.
Other names: c.541_542del, p.Ser181fs (NM_001364297.2, NM_001364298.2, NM_002310.6); short protein forms S181fs.
Identifiers: ClinVar variation 4815028 (VCV004815028.1).